The following is an entry in ClinVar:

ClinVar aggregate classification (germline): Uncertain significance (1 of 4 stars; one submission).

Allele frequency attached by ClinVar (database versions not stated): TOPMed 0.00001.
gnomAD v4.1: 1 of 1,614,102 alleles (0.000062%); highest among the groups gnomAD compares: Non-Finnish European, 0.000085%; no homozygotes.

Submission:

Labcorp Genetics (formerly Invitae), Labcorp
Classification: Uncertain significance. Last evaluated: 2022-06-26. Review status: criteria provided, single submitter. Criteria: Invitae Variant Classification Sherloc (09022015). Collection method: clinical testing. Allele origin: germline.
Comment: This sequence change replaces serine, which is neutral and polar, with arginine, which is basic and polar, at codon 3598 of the KMT2A protein (p.Ser3598Arg). This variant is not present in population databases (gnomAD no frequency). In summary, the available evidence is currently insufficient to determine the role of this variant in disease. Therefore, it has been classified as a Variant of Uncertain Significance. Algorithms developed to predict the effect of sequence changes on RNA splicing suggest that this variant may disrupt the consensus splice site. Advanced modeling of protein sequence and biophysical properties (such as structural, functional, and spatial information, amino acid conservation, physicochemical variation, residue mobility, and thermodynamic stability) performed at Invitae indicates that this missense variant is not expected to disrupt KMT2A protein function. This variant has not been reported in the literature in individuals affected with KMT2A-related conditions.

NM_001197104.2(KMT2A):c.10794C>G (p.Ser3598Arg)

Gene: KMT2A (lysine methyltransferase 2A; plus strand). Cytogenetic location: 11q23.3.
Variant type: single nucleotide variant.
Coding change: c.10794C>G on transcript NM_001197104.2 (MANE Select); coding-DNA position 10794, C replaced by G.
Protein change: p.Ser3598Arg; replaces serine 3598 with arginine.
Molecular consequence: missense variant.
Genome position (GRCh38, 1-based): chr11:118,507,568, C>G. VCF-style: chr11-118507568-C-G. GRCh37 (hg19) VCF-style: chr11-118378283-C-G.
Other names: c.10884C>G, p.Ser3628Arg (NM_001412597.1); c.10785C>G, p.Ser3595Arg (NM_005933.4); short protein forms S3598R, S3595R, S3628R.
Identifiers: ClinVar variation 2010927 (VCV002010927.4), dbSNP rs1418719123, ClinGen allele CA382827664.
Genomic context (GRCh38, chr11:118,507,568, plus strand): 5'-ATACAAATGCCTGTGTTCCAGGACTCCAGGAGCAGAGGCTGAGCAGCAGGATACAGCTAG[C>G]GTGGAGCAGTCCTCCCAGAAGGAGTGTGGGCAACCTGCAGGGTAAGCTGAAGAATTCGTC-3'
Protein context (NP_001184033.1, residues 3588-3608): GAEAEQQDTA[Ser3598Arg]VEQSSQKECG